The following is an entry in ClinVar:

NM_001701.4(BAAT):c.*1041A>C

Gene: BAAT (bile acid-CoA:amino acid N-acyltransferase; minus strand). Cytogenetic location: 9q31.1.
Variant type: single nucleotide variant.
Coding change: c.*1041A>C on transcript NM_001701.4 (MANE Select); 1041 bases downstream of the stop codon, A replaced by C.
Molecular consequence: 3 prime UTR variant.
Genome position (GRCh38, 1-based): chr9:101,361,387, T>G on the plus strand (A>C on the coding strand, the complement: BAAT is on the minus strand). VCF-style: chr9-101361387-T-G. GRCh37 (hg19) VCF-style: chr9-104123669-T-G.
Other names: c.*1041A>C (NM_001127610.2, NM_001374715.1).
Identifiers: ClinVar variation 364263 (VCV000364263.5), dbSNP rs41316534, ClinGen allele CA10626061.

ClinVar aggregate classification (germline): Benign (1 of 4 stars; one submission).

Conditions:
Hypercholanemia, familial 1 (FHCA1). Identifiers: Orphanet 238475, MedGen C5542604, MONDO:0031446, OMIM 607748.

Allele frequency attached by ClinVar (database versions not stated): 1000 Genomes Project 0.00519; 1000 Genomes Project 30x 0.00562; TOPMed 0.01198; gnomAD 0.02125; gnomAD exomes 0.05340.
gnomAD v4.1: 2,325 of 152,698 alleles (1.5%); highest among the groups gnomAD compares: Non-Finnish European, 2.2%; 36 homozygotes.

Submission:

Illumina Laboratory Services, Illumina
Classification: Benign for Hypercholanemia, familial 1. Last evaluated: 2018-01-13. Review status: criteria provided, single submitter. Criteria: ICSL Variant Classification Criteria 13 December 2019. Collection method: clinical testing. Allele origin: germline.
Comment: This variant was observed in the ICSL laboratory as part of a predisposition screen in an ostensibly healthy population. It had not been previously curated by ICSL or reported in the Human Gene Mutation Database (HGMD: prior to June 1st, 2018), and was therefore a candidate for classification through an automated scoring system. Utilizing variant allele frequency, disease prevalence and penetrance estimates, and inheritance mode, an automated score was calculated to assess if this variant is too frequent to cause the disease. Based on the score and internal cut-off values, a variant classified as benign is not then subjected to further curation. The score for this variant resulted in a classification of benign for this disease.